The following is an entry in ClinVar:

NM_001134407.3(GRIN2A):c.1007+6A>G

Gene: GRIN2A (glutamate ionotropic receptor NMDA type subunit 2A; minus strand). Cytogenetic location: 16p13.2.
Variant type: single nucleotide variant.
Coding change: c.1007+6A>G on transcript NM_001134407.3 (MANE Select); 6 bases into the intron after coding-DNA position 1007, A replaced by G.
Molecular consequence: intron variant.
Genome position (GRCh38, 1-based): chr16:9,937,953, T>C on the plus strand (A>G on the coding strand, the complement: GRIN2A is on the minus strand). VCF-style: chr16-9937953-T-C. GRCh37 (hg19) VCF-style: chr16-10031810-T-C.
Other names: c.1007+6A>G (NM_001134408.2, NM_000833.5).
Identifiers: ClinVar variation 511259 (VCV000511259.7), dbSNP rs1427858640, ClinGen allele CA621178310.
Genomic context (GRCh38, chr16:9,937,953, plus strand): 5'-AGCAAGCAAACAATGACAACAGCAAAACTCTGATCCCACTTTGGGAGACAACAAGCCCTT[T>C]CTTACGGGTGCAAGGTGTGCATCGGGACCTCTGGCCTCTCCATCTGCCCGTAGCAGCTGG-3'

ClinVar aggregate classification (germline): Conflicting classifications of pathogenicity. Review status: criteria provided, conflicting classifications (1 of 4 stars). 2 submissions from 2 submitters: Uncertain significance (1); Likely benign (1). Last evaluated 2026-01-12.

Conditions:
Landau-Kleffner syndrome (FESD). Also called: EPILEPSY, FOCAL, WITH SPEECH DISORDER AND WITH OR WITHOUT MENTAL RETARDATION; APHASIA, ACQUIRED, WITH EPILEPSY. Identifiers: Orphanet 1945, Orphanet 725, Orphanet 98818, MedGen C0282512, MONDO:0009509, OMIM 245570.

Allele frequency attached by ClinVar (database versions not stated): gnomAD exomes 0.00001 and below 0.00001.
gnomAD v4.1: 4 of 1,607,202 alleles (0.00025%); highest among the groups gnomAD compares: Admixed American, 0.005%; no homozygotes.

Submissions (2):

Labcorp Genetics (formerly Invitae), Labcorp
Classification: Uncertain significance for Landau-Kleffner syndrome. Last evaluated: 2026-01-12. Review status: criteria provided, single submitter. Criteria: Invitae Variant Classification Sherloc (09022015). Collection method: clinical testing. Allele origin: germline.
Comment: This sequence change falls in intron 4 of the GRIN2A gene. It does not directly change the encoded amino acid sequence of the GRIN2A protein. It affects a nucleotide within the consensus splice site. This variant is present in population databases (no rsID available, gnomAD 0.006%). This variant has not been reported in the literature in individuals affected with GRIN2A-related conditions. ClinVar contains an entry for this variant (Variation ID: 511259). Variants that disrupt the consensus splice site are a relatively common cause of aberrant splicing (PMID: 17576681, 9536098). Algorithms developed to predict the effect of sequence changes on RNA splicing suggest that this variant is not likely to affect RNA splicing. In summary, the available evidence is currently insufficient to determine the role of this variant in disease. Therefore, it has been classified as a Variant of Uncertain Significance.

GeneDx
Classification: Likely benign. Last evaluated: 2017-08-04. Review status: criteria provided, single submitter. Criteria: GeneDx Variant Classification (06012015). Collection method: clinical testing. Allele origin: germline. Affected: yes.
Comment: This variant is considered likely benign or benign based on one or more of the following criteria: it is a conservative change, it occurs at a poorly conserved position in the protein, it is predicted to be benign by multiple in silico algorithms, and/or has population frequency not consistent with disease.

Literature cited by the submitters: PubMed 17576681 (cited by Labcorp Genetics (formerly Invitae), Labcorp); PubMed 9536098 (cited by Labcorp Genetics (formerly Invitae), Labcorp).